The following is an entry in ClinVar:

NM_006565.4(CTCF):c.298del (p.Val100fs)

Gene: CTCF (CCCTC-binding factor; plus strand). Cytogenetic location: 16q22.1.
Variant type: Deletion.
Coding change: c.298del on transcript NM_006565.4 (MANE Select); coding-DNA position 298, one base deleted (G; older notation c.298delG).
Protein change: p.Val100fs; shifts the reading frame from valine 100.
Molecular consequence: frameshift variant. On other transcripts: intron variant (1).
Genome position (GRCh38, 1-based): chr16:67,611,130, G deleted; the last of 2 consecutive G bases (chr16:67,611,129-67,611,130); deleting either gives the same sequence. VCF-style (leftmost placement, unchanged base first): chr16-67611128-AG-A. GRCh37 (hg19) VCF-style: chr16-67645031-AG-A.
Other names: c.298delG, p.Val100Leufs (NM_001363916.2); c.-32-5615del (NM_001191022.2); short protein forms V100fs.
Identifiers: ClinVar variation 3765593 (VCV003765593.1).
Genomic context (GRCh38, chr16:67,611,128, plus strand): 5'-AGGGCACAGTGGCTCCAGAAGCAGAGGCTGCTGTGGACGATACCCAGATTATAACTTTAC[AG>A]GTTGTAAATATGGAGGAACAGCCCATAAACATAGGAGAACTTCAGCTTGTTCAAGTACCT-3'

ClinVar aggregate classification (germline): Likely pathogenic (1 of 4 stars; one submission).

Conditions:
CTCF-related neurodevelopmental disorder. Also called: Intellectual disability-feeding difficulties-developmental delay-microcephaly syndrome; INTELLECTUAL DEVELOPMENTAL DISORDER, AUTOSOMAL DOMINANT 21. Identifiers: Orphanet 363611, MedGen C3809686, MONDO:0014213, OMIM 615502.

Submission:

Greenwood Genetic Center Diagnostic Laboratories, Greenwood Genetic Center
Classification: Likely pathogenic for CTCF-related neurodevelopmental disorder. Last evaluated: 2024-07-03. Review status: criteria provided, single submitter. Criteria: ACMG Guidelines, 2015. Collection method: clinical testing. Allele origin: germline. Affected: yes.
Comment: PVS1, PM2